The following is an entry in ClinVar:

NM_001365276.2(TNXB):c.6802G>C (p.Gly2268Arg)

Gene: TNXB (tenascin XB; minus strand). Cytogenetic location: 6p21.33.
Variant type: single nucleotide variant.
Coding change: c.6802G>C on transcript NM_001365276.2 (MANE Select); coding-DNA position 6802, G replaced by C.
Protein change: p.Gly2268Arg; replaces glycine 2268 with arginine.
Molecular consequence: missense variant.
Genome position (GRCh38, 1-based): chr6:32,064,860, C>G on the plus strand (G>C on the coding strand, the complement: TNXB is on the minus strand). VCF-style: chr6-32064860-C-G. GRCh37 (hg19) VCF-style: chr6-32032637-C-G.
Other names: c.7543G>C, p.Gly2515Arg (NM_001428335.1); c.6802G>C, p.Gly2268Arg (NM_019105.8); short protein forms G2268R, G2515R.
Identifiers: ClinVar variation 3459858 (VCV003459858.1).

ClinVar aggregate classification (germline): Uncertain significance (1 of 4 stars; one submission).

Conditions:
Cardiovascular phenotype. Identifiers: MedGen CN230736.

Submission:

Ambry Genetics
Classification: Uncertain significance for Cardiovascular phenotype. Last evaluated: 2024-10-24. Review status: criteria provided, single submitter. Criteria: Ambry Variant Classification Scheme 2023. Collection method: clinical testing. Allele origin: germline.
Comment: The p.G2268R variant (also known as c.6802G>C), located in coding exon 18 of the TNXB gene, results from a G to C substitution at nucleotide position 6802. The glycine at codon 2268 is replaced by arginine, an amino acid with dissimilar properties. This amino acid position is conserved. In addition, this alteration is predicted to be tolerated by in silico analysis. Based on the available evidence, the clinical significance of this variant remains unclear.